The following is an entry in ClinVar:

NM_003470.3(USP7):c.1490A>G (p.Asn497Ser)

Gene: USP7 (ubiquitin specific peptidase 7; minus strand). Cytogenetic location: 16p13.2.
Variant type: single nucleotide variant.
Coding change: c.1490A>G on transcript NM_003470.3 (MANE Select); coding-DNA position 1490, A replaced by G.
Protein change: p.Asn497Ser; replaces asparagine 497 with serine.
Molecular consequence: missense variant. On other transcripts: non-coding transcript variant (1).
Genome position (GRCh38, 1-based): chr16:8,905,270, T>C on the plus strand (A>G on the coding strand, the complement: USP7 is on the minus strand). VCF-style: chr16-8905270-T-C. GRCh37 (hg19) VCF-style: chr16-8999127-T-C.
Other names: c.1442A>G, p.Asn481Ser (NM_001286457.2); c.1193A>G, p.Asn398Ser (NM_001286458.2); c.1316A>G, p.Asn439Ser (NM_001321858.2); short protein forms N398S, N439S, N497S, N481S.
Identifiers: ClinVar variation 2121536 (VCV002121536.4), dbSNP rs1357175448, ClinGen allele CA394701698.

ClinVar aggregate classification (germline): Uncertain significance (1 of 4 stars; one submission).

Allele frequency attached by ClinVar (database versions not stated): gnomAD exomes below 0.00001.
gnomAD v4.1: 1 of 1,614,178 alleles (0.000062%); highest among the groups gnomAD compares: Non-Finnish European, 0.000085%; no homozygotes.

Submission:

Labcorp Genetics (formerly Invitae), Labcorp
Classification: Uncertain significance. Last evaluated: 2023-07-17. Review status: criteria provided, single submitter. Criteria: Invitae Variant Classification Sherloc (09022015). Collection method: clinical testing. Allele origin: germline.
Comment: In summary, the available evidence is currently insufficient to determine the role of this variant in disease. Therefore, it has been classified as a Variant of Uncertain Significance. An algorithm developed to predict the effect of missense changes on protein structure and function (PolyPhen-2) suggests that this variant is likely to be disruptive. ClinVar contains an entry for this variant (Variation ID: 2121536). This variant has not been reported in the literature in individuals affected with USP7-related conditions. This variant is present in population databases (no rsID available, gnomAD 0.0009%). This sequence change replaces asparagine, which is neutral and polar, with serine, which is neutral and polar, at codon 497 of the USP7 protein (p.Asn497Ser).